The following is an entry in ClinVar:

ClinVar aggregate classification (germline): Likely benign. Review status: criteria provided, multiple submitters, no conflicts (2 of 4 stars). 3 submissions from 3 submitters: Likely benign (3). Last evaluated 2026-07-21.

Conditions:
F8-related disorder. Also called: F8-related condition.

Allele frequency attached by ClinVar (database versions not stated): TOPMed 0.00050; gnomAD 0.00060.
gnomAD v4.1: 67 of 111,576 alleles (0.06%); highest among the groups gnomAD compares: Non-Finnish European, 0.068%; no homozygotes.

Submissions (3):

PreventionGenetics, part of Exact Sciences
Classification: Likely benign for F8-related condition. Last evaluated: 2026-07-21. Review status: criteria provided, single submitter. Criteria: ACMG Guidelines, 2015. Collection method: clinical testing. Allele origin: germline.
Comment: This variant is classified as likely benign based on ACMG/AMP sequence variant interpretation guidelines (Richards et al. 2015 PMID: 25741868, with internal and published modifications).

Blueprint Genetics
Classification: Likely benign. Last evaluated: 2024-10-15. Review status: criteria provided, single submitter. Criteria: ACMG Guidelines, 2015. Collection method: clinical testing. Allele origin: germline.

CeGaT Center for Human Genetics Tuebingen
Classification: Likely benign. Last evaluated: 2022-11-01. Review status: criteria provided, single submitter. Criteria: CeGaT Center For Human Genetics Tuebingen Variant Classification Criteria Version 2. Collection method: clinical testing. Allele origin: germline. Affected: yes. Observed: 1 variant allele.
Comment: F8: BS2

NM_000132.4(F8):c.5999-270C>G

Gene: F8 (coagulation factor VIII; minus strand). Cytogenetic location: Xq28.
Variant type: single nucleotide variant.
Coding change: c.5999-270C>G on transcript NM_000132.4 (MANE Select); 270 bases into the intron before coding-DNA position 5999, C replaced by G.
Molecular consequence: intron variant.
Genome position (GRCh38, 1-based): chrX:154,902,437, G>C on the plus strand (C>G on the coding strand, the complement: F8 is on the minus strand). VCF-style: chrX-154902437-G-C. GRCh37 (hg19) VCF-style: chrX-154130712-G-C.
Other names: c.5999-270C>G (NM_000132.3).
Identifiers: ClinVar variation 2661863 (VCV002661863.26), dbSNP rs782526745, ClinGen allele CA337317779.